The following is an entry in ClinVar:

NC_000004.12:g.(?_127920610)_(127957612_?)del

Gene: MFSD8 (major facilitator superfamily domain containing 8; minus strand). Cytogenetic location: 4q28.2.
Variant type: Deletion.
Identifiers: ClinVar variation 830407 (VCV000830407.1).

ClinVar aggregate classification (germline): Pathogenic (1 of 4 stars; one submission).

Conditions:
Neuronal ceroid lipofuscinosis 7 (CLN7). Also called: MFSD8-Related Neuronal Ceroid-Lipofuscinosis. Identifiers: Orphanet 168491, Orphanet 228366, MedGen C1838571, MONDO:0012588, OMIM 610951.

Submission:

Labcorp Genetics (formerly Invitae), Labcorp
Classification: Pathogenic for Ceroid lipofuscinosis neuronal 7. Last evaluated: 2019-05-29. Review status: criteria provided, single submitter. Criteria: Invitae Variant Classification Sherloc (09022015). Collection method: clinical testing. Allele origin: germline.
Comment: This variant is a gross deletion of the genomic region encompassing exons 3-13 of the MFSD8 gene. The 5' boundary is likely confined to intron 2. The 3' end of this event is unknown as it extends through the termination codon beyond the assayed region for this gene and may encompass additional genes. While this deletion is not anticipated to result in nonsense mediated decay, it is expected to create a truncated protein product or disrupt mRNA translation. This variant has not been reported in the literature in individuals with MFSD8-related conditions. This variant disrupts the C-terminus of the MFSD8 protein. Other variant(s) that disrupt this region (p.Arg482*) have been determined to be pathogenic (PMID: 25976102, 28708303, 19177532, Invitae). This suggests that variants that disrupt this region of the protein are likely to be causative of disease. For these reasons, this variant has been classified as Pathogenic.

Literature cited by the submitters: PubMed 25976102; PubMed 28708303; PubMed 19177532.